The following is an entry in ClinVar:

NM_024577.4(SH3TC2):c.443G>A (p.Cys148Tyr)

Gene: SH3TC2 (SH3 domain and tetratricopeptide repeats 2; minus strand). Cytogenetic location: 5q32.
Variant type: single nucleotide variant.
Coding change: c.443G>A on transcript NM_024577.4 (MANE Select); coding-DNA position 443, G replaced by A.
Protein change: p.Cys148Tyr; replaces cysteine 148 with tyrosine.
Molecular consequence: missense variant.
Genome position (GRCh38, 1-based): chr5:149,042,780, C>T on the plus strand (G>A on the coding strand, the complement: SH3TC2 is on the minus strand). VCF-style: chr5-149042780-C-T. GRCh37 (hg19) VCF-style: chr5-148422343-C-T.
Other names: short protein forms C148Y.
Identifiers: ClinVar variation 1369660 (VCV001369660.6), dbSNP rs1483097983, ClinGen allele CA361675908.

ClinVar aggregate classification (germline): Uncertain significance (1 of 4 stars; one submission).

Conditions:
Charcot-Marie-Tooth disease type 4. Also called: Charcot-Marie-Tooth disease, type IV; Charcot-Marie-Tooth, Type 4. Identifiers: Orphanet 64749, MedGen C4082197, MONDO:0018995.

Allele frequency attached by ClinVar (database versions not stated): gnomAD exomes below 0.00001; TOPMed below 0.00001; gnomAD 0.00001.
gnomAD v4.1: 3 of 1,614,024 alleles (0.00019%); highest among the groups gnomAD compares: Non-Finnish European, 0.00025%; no homozygotes.

Submission:

Labcorp Genetics (formerly Invitae), Labcorp
Classification: Uncertain significance for Charcot-Marie-Tooth disease type 4. Last evaluated: 2021-09-21. Review status: criteria provided, single submitter. Criteria: Invitae Variant Classification Sherloc (09022015). Collection method: clinical testing. Allele origin: germline.
Comment: In summary, the available evidence is currently insufficient to determine the role of this variant in disease. Therefore, it has been classified as a Variant of Uncertain Significance. Advanced modeling of protein sequence and biophysical properties (such as structural, functional, and spatial information, amino acid conservation, physicochemical variation, residue mobility, and thermodynamic stability) performed at Invitae indicates that this missense variant is not expected to disrupt SH3TC2 protein function. This variant has not been reported in the literature in individuals affected with SH3TC2-related conditions. This variant is not present in population databases (ExAC no frequency). This sequence change replaces cysteine with tyrosine at codon 148 of the SH3TC2 protein (p.Cys148Tyr). The cysteine residue is weakly conserved and there is a large physicochemical difference between cysteine and tyrosine.